The following is an entry in ClinVar:

ClinVar aggregate classification (germline): Likely benign. Review status: criteria provided, multiple submitters, no conflicts (2 of 4 stars). 3 submissions from 3 submitters: Likely benign (3). Last evaluated 2025-03-31.

Allele frequency attached by ClinVar (database versions not stated): gnomAD exomes 0.00002; ExAC 0.00009; ESP Exome Variant Server 0.00015; gnomAD 0.00017.
gnomAD v4.1: 59 of 1,603,986 alleles (0.0037%); highest among the groups gnomAD compares: African/African-American, 0.074%; no homozygotes.

Submissions (3):

Labcorp Genetics (formerly Invitae), Labcorp
Classification: Likely benign. Last evaluated: 2025-03-31. Review status: criteria provided, single submitter. Criteria: Invitae Variant Classification Sherloc (09022015). Collection method: clinical testing. Allele origin: germline.

Mayo Clinic Laboratories, Mayo Clinic
Classification: Likely benign. Last evaluated: 2025-02-06. Review status: criteria provided, single submitter. Criteria: ACMG Guidelines, 2015. Collection method: clinical testing. Allele origin: germline. Observed: 1 variant allele.
Comment: BP4, BP7

Blueprint Genetics
Classification: Likely benign. Last evaluated: 2022-07-11. Review status: criteria provided, single submitter. Criteria: ACMG Guidelines, 2015. Collection method: clinical testing. Allele origin: germline.

NM_001557.4(CXCR2):c.1080C>A (p.Leu360=)

Gene: CXCR2 (C-X-C motif chemokine receptor 2; plus strand). Cytogenetic location: 2q35.
Variant type: single nucleotide variant.
Coding change: c.1080C>A on transcript NM_001557.4 (MANE Select); coding-DNA position 1080, C replaced by A.
Protein change: p.Leu360=; no amino-acid change (leucine 360 retained).
Molecular consequence: synonymous variant.
Genome position (GRCh38, 1-based): chr2:218,135,881, C>A. VCF-style: chr2-218135881-C-A. GRCh37 (hg19) VCF-style: chr2-219000604-C-A.
Other names: p.Leu360=; c.1080C>A, p.Leu360= (NM_001168298.2).
Identifiers: ClinVar variation 2062630 (VCV002062630.6), dbSNP rs201280885, ClinGen allele CA2101851.
Genomic context (GRCh38, chr2:218,135,881, plus strand): 5'-GCCCAAAGACAGCAGGCCTTCCTTTGTTGGCTCTTCTTCAGGGCACACTTCCACTACTCT[C>A]TAAGACCTCCTGCCTAAGTGCAGCCCCGTGGGGTTCCTCCCTTCTCTTCACAGTCACATT-3'
Protein context (NP_001548.1, residues 350-360): GSSSGHTSTT[Leu360=]